The following is an entry in ClinVar:

ClinVar aggregate classification (germline): Pathogenic (1 of 4 stars; one submission).

Submission:

GeneDx
Classification: Pathogenic. Last evaluated: 2016-12-27. Review status: criteria provided, single submitter. Criteria: GeneDx Variant Classification (06012015). Collection method: clinical testing. Allele origin: germline. Affected: yes.
Comment: The c.1787delA variant in the ATP8A2 gene has not been reported previously as a pathogenic variant nor as a benign variant, to our knowledge. The c.1787delA variant causes a frameshift starting with codon Asparagine 596, changes this amino acid to a Methionine residue, and creates a premature Stop codon at position 2 of the new reading frame, denoted p.Asn596MetfsX2. This variant is predicted to cause loss of normal protein function either through protein truncation or nonsense-mediated mRNA decay. The c.1787delA variant was not observed in approximately 5,900 individuals of European and African American ancestry in the NHLBI Exome Sequencing Project, indicating it is not a common benign variant in these populations. Therefore, we interpret c.1787delA as a pathogenic variant.

NM_016529.6(ATP8A2):c.1787del (p.Asn596fs)

Gene: ATP8A2 (ATPase phospholipid transporting 8A2). Cytogenetic location: 13q12.13.
Variant type: Deletion.
Coding change: c.1787del on transcript NM_016529.6 (MANE Select); coding-DNA position 1787, one base deleted.
Protein change: p.Asn596fs; shifts the reading frame from asparagine 596.
Molecular consequence: frameshift variant.
Genome position: GRCh38 VCF-style: chr13-25578817-TA-T. GRCh37 (hg19) VCF-style: chr13-26152955-TA-T.
Other names: c.1667del, p.Asn556fs (NM_001313741.1); short protein forms N556fs, N596fs.
Identifiers: ClinVar variation 421706 (VCV000421706.2), dbSNP rs1064795308, ClinGen allele CA16619625.